The following is an entry in ClinVar:

ClinVar aggregate classification (germline): Uncertain significance (1 of 4 stars; one submission).

Conditions:
PURA-related severe neonatal hypotonia-seizures-encephalopathy syndrome (NEDRIHF). Also called: NEURODEVELOPMENTAL DISORDER WITH NEONATAL RESPIRATORY INSUFFICIENCY, HYPOTONIA, AND FEEDING DIFFICULTIES; PURA-Related Neurodevelopmental Disorders. Identifiers: Orphanet 438213, Orphanet 438216, MedGen C4015357, MONDO:1060108, OMIM 616158, MONDO:0018580.

Submission:

Labcorp Genetics (formerly Invitae), Labcorp
Classification: Uncertain significance for PURA-related severe neonatal hypotonia-seizures-encephalopathy syndrome. Last evaluated: 2023-07-20. Review status: criteria provided, single submitter. Criteria: Invitae Variant Classification Sherloc (09022015). Collection method: clinical testing. Allele origin: germline.
Comment: In summary, the available evidence is currently insufficient to determine the role of this variant in disease. Therefore, it has been classified as a Variant of Uncertain Significance. This variant has not been reported in the literature in individuals affected with PURA-related conditions. This variant is not present in population databases (gnomAD no frequency). This sequence change affects codon 222 of the PURA mRNA. It is a 'silent' change, meaning that it does not change the encoded amino acid sequence of the PURA protein.

NM_005859.5(PURA):c.666C>T (p.Thr222=)

Gene: PURA (purine rich element binding protein A; plus strand). Cytogenetic location: 5q31.3.
Variant type: single nucleotide variant.
Coding change: c.666C>T on transcript NM_005859.5 (MANE Select); coding-DNA position 666, C replaced by T.
Protein change: p.Thr222=; no amino-acid change (threonine 222 retained).
Molecular consequence: synonymous variant.
Genome position (GRCh38, 1-based): chr5:140,114,847, C>T. VCF-style: chr5-140114847-C-T. GRCh37 (hg19) VCF-style: chr5-139494432-C-T.
Identifiers: ClinVar variation 2852849 (VCV002852849.3), dbSNP rs2479505860, ClinGen allele CA446831166.